The following is an entry in ClinVar:

ClinVar aggregate classification (germline): Likely benign. Review status: criteria provided, multiple submitters, no conflicts (2 of 4 stars). 3 submissions from 3 submitters: Likely benign (3). Last evaluated 2025-11-30.

Conditions:
Deficiency of malonyl-CoA decarboxylase. Also called: Malonic aciduria; MCD deficiency. Identifiers: Orphanet 943, MedGen C0342793, MONDO:0009556, OMIM 248360.

Allele frequency attached by ClinVar (database versions not stated): TOPMed 0.00020; gnomAD 0.00021 and 0.00024; gnomAD exomes 0.00022; ExAC 0.00027; ESP Exome Variant Server 0.00041.
gnomAD v4.1: 513 of 1,614,034 alleles (0.032%); highest among the groups gnomAD compares: Non-Finnish European, 0.042%; no homozygotes.

Submissions (3):

Labcorp Genetics (formerly Invitae), Labcorp
Classification: Likely benign for Deficiency of malonyl-CoA decarboxylase. Last evaluated: 2025-11-30. Review status: criteria provided, single submitter. Criteria: Invitae Variant Classification Sherloc (09022015). Collection method: clinical testing. Allele origin: germline.

Blueprint Genetics
Classification: Likely benign. Last evaluated: 2024-11-26. Review status: criteria provided, single submitter. Criteria: ACMG Guidelines, 2015. Collection method: clinical testing. Allele origin: germline.

GeneDx
Classification: Likely benign. Last evaluated: 2016-10-19. Review status: criteria provided, single submitter. Criteria: GeneDx Variant Classification (06012015). Collection method: clinical testing. Allele origin: germline. Affected: yes.
Comment: This variant is considered likely benign or benign based on one or more of the following criteria: it is a conservative change, it occurs at a poorly conserved position in the protein, it is predicted to be benign by multiple in silico algorithms, and/or has population frequency not consistent with disease.

NM_012213.3(MLYCD):c.799-15G>A

Genes: MLYCD (malonyl-CoA decarboxylase; plus strand), LOC126862422 (CDK7 strongly-dependent group 2 enhancer GRCh37_chr16:83945234-83946433; plus strand). Cytogenetic location: 16q23.3.
Variant type: single nucleotide variant.
Coding change: c.799-15G>A on transcript NM_012213.3 (MANE Select); 15 bases into the intron before coding-DNA position 799, G replaced by A.
Molecular consequence: intron variant.
Genome position (GRCh38, 1-based): chr16:83,912,203, G>A. VCF-style: chr16-83912203-G-A. GRCh37 (hg19) VCF-style: chr16-83945808-G-A.
Identifiers: ClinVar variation 390004 (VCV000390004.10), dbSNP rs367614213, ClinGen allele CA8197396.